The following is an entry in ClinVar:

NM_001035.3(RYR2):c.1867G>C (p.Val623Leu)

Gene: RYR2 (ryanodine receptor 2; plus strand). Cytogenetic location: 1q43.
Variant type: single nucleotide variant.
Coding change: c.1867G>C on transcript NM_001035.3 (MANE Select); coding-DNA position 1867, G replaced by C.
Protein change: p.Val623Leu; replaces valine 623 with leucine.
Molecular consequence: missense variant.
Genome position (GRCh38, 1-based): chr1:237,492,993, G>C. VCF-style: chr1-237492993-G-C. GRCh37 (hg19) VCF-style: chr1-237656293-G-C.
Other names: short protein forms V623L.
Identifiers: ClinVar variation 2075146 (VCV002075146.4), dbSNP rs2545802703, ClinGen allele CA345389400.

ClinVar aggregate classification (germline): Uncertain significance (1 of 4 stars; one submission).

Conditions:
Catecholaminergic polymorphic ventricular tachycardia 1. Also called: VENTRICULAR TACHYCARDIA, CATECHOLAMINERGIC POLYMORPHIC, 1, WITH OR WITHOUT ATRIAL DYSFUNCTION AND/OR DILATED CARDIOMYOPATHY; RYR2-Related Catecholaminergic Polymorphic Ventricular Tachycardia; VENTRICULAR TACHYCARDIA, STRESS-INDUCED POLYMORPHIC 1. Identifiers: Orphanet 3286, MedGen C1631597, MONDO:0011484, OMIM 604772.

Submission:

Labcorp Genetics (formerly Invitae), Labcorp
Classification: Uncertain significance for Catecholaminergic polymorphic ventricular tachycardia 1. Last evaluated: 2022-11-01. Review status: criteria provided, single submitter. Criteria: Invitae Variant Classification Sherloc (09022015). Collection method: clinical testing. Allele origin: germline.
Comment: This variant has not been reported in the literature in individuals affected with RYR2-related conditions. This variant is not present in population databases (gnomAD no frequency). This sequence change replaces valine, which is neutral and non-polar, with leucine, which is neutral and non-polar, at codon 623 of the RYR2 protein (p.Val623Leu). Advanced modeling of protein sequence and biophysical properties (such as structural, functional, and spatial information, amino acid conservation, physicochemical variation, residue mobility, and thermodynamic stability) has been performed at Invitae for this missense variant, however the output from this modeling did not meet the statistical confidence thresholds required to predict the impact of this variant on RYR2 protein function. In summary, the available evidence is currently insufficient to determine the role of this variant in disease. Therefore, it has been classified as a Variant of Uncertain Significance.